The following is an entry in ClinVar:

ClinVar aggregate classification (germline): Uncertain significance (1 of 4 stars; one submission).

Submission:

GeneDx
Classification: Uncertain significance. Last evaluated: 2024-10-29. Review status: criteria provided, single submitter. Criteria: GeneDx Variant Classification Process June 2021. Collection method: clinical testing. Allele origin: germline. Affected: yes.
Comment: Not observed at significant frequency in large population cohorts (gnomAD); In silico analysis indicates that this missense variant does not alter protein structure/function; Has not been previously published as pathogenic or benign to our knowledge

NM_017534.6(MYH2):c.976A>C (p.Ile326Leu)

Genes: MYH2 (myosin heavy chain 2; minus strand), MYHAS (myosin heavy chain gene cluster antisense RNA; plus strand). Cytogenetic location: 17p13.1.
Variant type: single nucleotide variant.
Coding change: c.976A>C on transcript NM_017534.6 (MANE Select); coding-DNA position 976, A replaced by C.
Protein change: p.Ile326Leu; replaces isoleucine 326 with leucine.
Molecular consequence: missense variant.
Genome position (GRCh38, 1-based): chr17:10,540,626, T>G on the plus strand (A>C on the coding strand, the complement: MYH2 is on the minus strand). VCF-style: chr17-10540626-T-G. GRCh37 (hg19) VCF-style: chr17-10443943-T-G.
Other names: c.976A>C, p.Ile326Leu (NM_001100112.2); short protein forms I326L.
Identifiers: ClinVar variation 3897279 (VCV003897279.1).